The following is an entry in ClinVar:

ClinVar aggregate classification (germline): Likely pathogenic. Review status: criteria provided, multiple submitters, no conflicts (2 of 4 stars). 3 submissions from 3 submitters: Likely pathogenic (2). 1 of the submissions does not count toward it. Last evaluated 2025-07-30.

Conditions:
Epilepsy, X-linked 1, with variable learning disabilities and behavior disorders. Also called: X-linked epilepsy-learning disabilities-behavior disorders syndrome. Identifiers: Orphanet 85294, MedGen C5774177, MONDO:0010339, OMIM 300491.

Allele frequency attached by ClinVar (database versions not stated): TOPMed below 0.00001; gnomAD 0.00001; gnomAD exomes 0.00001.
gnomAD v4.1: 5 of 1,194,670 alleles (0.00042%); highest among the groups gnomAD compares: African/African-American, 0.0035%; no homozygotes.

Submissions (3):

Labcorp Genetics (formerly Invitae), Labcorp
Classification: Likely pathogenic for Epilepsy, X-linked 1, with variable learning disabilities and behavior disorders. Last evaluated: 2025-07-30. Review status: criteria provided, single submitter. Criteria: Invitae Variant Classification Sherloc (09022015). Collection method: clinical testing. Allele origin: germline.
Comment: This sequence change replaces arginine, which is basic and polar, with tryptophan, which is neutral and slightly polar, at codon 420 of the SYN1 protein (p.Arg420Trp). The frequency data for this variant in the population databases is considered unreliable, as metrics indicate poor data quality at this position in the gnomAD database. This missense change has been observed in individual(s) with SYN1-related conditions (internal data). In at least one individual the variant was observed to be de novo. ClinVar contains an entry for this variant (Variation ID: 933392). An algorithm developed to predict the effect of missense changes on protein structure and function (PolyPhen-2) suggests that this variant is likely to be disruptive. This variant disrupts the p.Arg420 amino acid residue in SYN1. Other variant(s) that disrupt this residue have been observed in individuals with SYN1-related conditions (PMID: 31969655), which suggests that this may be a clinically significant amino acid residue. In summary, the currently available evidence indicates that the variant is pathogenic, but additional data are needed to prove that conclusively. Therefore, this variant has been classified as Likely Pathogenic.

Women's Health and Genetics/Laboratory Corporation of America, LabCorp
Classification: Likely pathogenic for Epilepsy, X-linked 1, with variable learning disabilities and behavior disorders. Last evaluated: 2025-03-31. Review status: criteria provided, single submitter. Criteria: LabCorp Variant Classification Summary - May 2015. Collection method: clinical testing. Allele origin: germline.
Comment: Variant summary: SYN1 c.1258C>T (p.Arg420Trp) results in a non-conservative amino acid change in the encoded protein sequence. Four of five in-silico tools predict a damaging effect of the variant on protein function. The variant allele was found at a frequency of 6.7e-06 in 149396 control chromosomes. c.1258C>T has been reported as a de novo occurance with confirmed parental relateness in at least one individual affected with Epilepsy, X-linked 1, with variable learning disabilities and behavior disorders (Labcorp (formerly Invitae). To our knowledge, no experimental evidence demonstrating an impact on protein function has been reported. ClinVar contains an entry for this variant (Variation ID: 933392). Based on the evidence outlined above, the variant was classified as likely pathogenic.

GeneDx
Classification: Uncertain significance. Last evaluated: 2024-05-12. Review status: flagged submission. Criteria: GeneDx Variant Classification Process June 2021. Collection method: clinical testing. Allele origin: germline. Affected: yes. Not counted in ClinVar's aggregate classification.
Comment: In silico analysis indicates that this missense variant does not alter protein structure/function; Has not been previously published as pathogenic or benign to our knowledge
ClinVar note: Reason: Claim with insufficient supporting evidence

Literature cited by the submitters: PubMed 31969655 (cited by Labcorp Genetics (formerly Invitae), Labcorp).

NM_006950.3(SYN1):c.1258C>T (p.Arg420Trp)

Gene: SYN1 (synapsin I; minus strand). Cytogenetic location: Xp11.3.
Variant type: single nucleotide variant.
Coding change: c.1258C>T on transcript NM_006950.3 (MANE Select); coding-DNA position 1258, C replaced by T.
Protein change: p.Arg420Trp; replaces arginine 420 with tryptophan.
Molecular consequence: missense variant.
Genome position (GRCh38, 1-based): chrX:47,575,175, G>A on the plus strand (C>T on the coding strand, the complement: SYN1 is on the minus strand). VCF-style: chrX-47575175-G-A. GRCh37 (hg19) VCF-style: chrX-47434574-G-A.
Other names: c.1258C>T, p.Arg420Trp (NM_133499.2); short protein forms R420W.
Identifiers: ClinVar variation 933392 (VCV000933392.13), dbSNP rs780269723, ClinGen allele CA10398385.